The following is an entry in ClinVar:

ClinVar aggregate classification (germline): Likely benign (1 of 4 stars; one submission).

Conditions:
Malignant hyperthermia, susceptibility to, 1 (MHS1). Also called: Anesthesia related hyperthermia; Malignant hyperpyrexia; Fulminating hyperpyrexia; Pharmacogenic myopathy; RYR1-Related Malignant Hyperthermia Susceptibility; Malignant hyperthermia suceptibility 1. Identifiers: Orphanet 423, MedGen C2930980, MONDO:0007783, OMIM 145600.

Submission:

All of Us Research Program, National Institutes of Health
Classification: Likely benign for Malignant hyperthermia, susceptibility to, 1. Last evaluated: 2023-08-28. Review status: criteria provided, single submitter. Criteria: ACMG Guidelines, 2015. Collection method: clinical testing. Allele origin: germline. Inheritance: Autosomal dominant inheritance. Observed: 1 variant allele, 1 heterozygote.
Comment: This study involves interpretation of variants in research participants for the purpose of population health screening. Participant phenotype was not available at the time of variant classification. Additional details can be found in publication PMID: 35346344, PMCID: PMC8962531

NM_000540.3(RYR1):c.11649G>T (p.Leu3883=)

Gene: RYR1 (ryanodine receptor 1; plus strand). Cytogenetic location: 19q13.2.
Variant type: single nucleotide variant.
Coding change: c.11649G>T on transcript NM_000540.3 (MANE Select); coding-DNA position 11649, G replaced by T.
Protein change: p.Leu3883=; no amino-acid change (leucine 3883 retained).
Molecular consequence: synonymous variant.
Genome position (GRCh38, 1-based): chr19:38,537,920, G>T. VCF-style: chr19-38537920-G-T. GRCh37 (hg19) VCF-style: chr19-39028560-G-T.
Other names: c.11634G>T, p.Leu3878= (NM_001042723.2).
Identifiers: ClinVar variation 3073274 (VCV003073274.1), dbSNP rs1186511876, ClinGen allele CA507242224.